The following is an entry in ClinVar:

NM_018896.5(CACNA1G):c.4912-3C>T

Gene: CACNA1G (calcium voltage-gated channel subunit alpha1 G; plus strand). Cytogenetic location: 17q21.33.
Variant type: single nucleotide variant.
Coding change: c.4912-3C>T on transcript NM_018896.5 (MANE Select); 3 bases into the intron before coding-DNA position 4912, C replaced by T.
Molecular consequence: intron variant.
Genome position (GRCh38, 1-based): chr17:50,616,272, C>T. VCF-style: chr17-50616272-C-T. GRCh37 (hg19) VCF-style: chr17-48693633-C-T.
Other names: c.4933-3C>T (NM_001256325.2); c.4879-3C>T (NM_198377.3, NM_198380.3, NM_198378.3 and 1 more transcripts); c.4912-3C>T (NM_198385.3, NM_198384.3, NM_001256333.2 and 1 more transcripts); c.4858-3C>T (NM_001256324.2, NM_198386.3, NM_001256328.2); c.4804-3C>T (NM_001256360.2); c.4798-3C>T (NM_001256361.2); c.4831-3C>T (NM_001256359.2); c.4777-3C>T (NM_001256326.2, NM_001256330.2); and 5 more.
Identifiers: ClinVar variation 4887396 (VCV004887396.1).

ClinVar aggregate classification (germline): Uncertain significance (1 of 4 stars; one submission).

gnomAD v4.1: 9 of 1,598,314 alleles (0.00056%); highest among the groups gnomAD compares: South Asian, 0.0044%; no homozygotes.

Submission:

Women's Health and Genetics/Laboratory Corporation of America, LabCorp
Classification: Uncertain significance. Last evaluated: 2026-06-09. Review status: criteria provided, single submitter. Criteria: LabCorp Variant Classification Summary - May 2015. Collection method: clinical testing. Allele origin: germline.
Comment: Variant summary: CACNA1G c.4912-3C>T alters a conserved nucleotide located close to a canonical splice site and therefore could affect mRNA splicing, leading to a significantly altered protein sequence. Consensus agreement among computation tools predict no significant impact on normal splicing. However, these predictions have yet to be confirmed by functional studies. The variant allele was found at a frequency of 5.7e-06 in 1591394 control chromosomes (gnomAD). The available data on variant occurrences in the general population are insufficient to allow any conclusion about variant significance. To our knowledge, no occurrence of c.4912-3C>T in individuals affected with CACNA1G-related conditions and no experimental evidence demonstrating its impact on protein function have been reported. No submitters have cited clinical-significance assessments for this variant to ClinVar. Based on the evidence outlined above, the variant was classified as uncertain significance.